The following is an entry in ClinVar:

ClinVar aggregate classification (germline): Uncertain significance. Review status: criteria provided, multiple submitters, no conflicts (2 of 4 stars). 11 submissions from 11 submitters: Uncertain significance (9). 2 of the submissions do not count toward it. Last evaluated 2026-01-19.

Conditions:
Hereditary cancer-predisposing syndrome. Also called: Neoplastic Syndromes, Hereditary; Tumor predisposition; Hereditary Cancer Syndrome; Hereditary neoplastic syndrome. Identifiers: Orphanet 140162, MedGen C0027672, MeSH D009386, MONDO:0015356.
CHEK2-related cancer predisposition (TPDS4). Also called: CHEK2-related cancer susceptibility; TUMOR PREDISPOSITION SYNDROME 4; CANCER PREDISPOSITION SYNDROME, CHEK2-RELATED. Identifiers: Orphanet 524, MedGen C5882668, MONDO:0700271, OMIM 609265.
Familial cancer of breast. Also called: BREAST CANCER, FAMILIAL; Hereditary breast cancer; hereditary breast carcinoma. Identifiers: Orphanet 227535, MedGen C0346153, MONDO:0016419, OMIM 114480. Disease mechanism: loss of function.
Malignant tumor of breast. Also called: Malignant breast neoplasm; Cancer breast. Identifiers: MedGen C0006142, MONDO:0007254. Disease mechanism: loss of function.

Allele frequency attached by ClinVar (database versions not stated): gnomAD 0.00006.
gnomAD v4.1: 40 of 1,610,176 alleles (0.0025%); highest among the groups gnomAD compares: African/African-American, 0.004%; no homozygotes.

Submissions (11):

Labcorp Genetics (formerly Invitae), Labcorp
Classification: Uncertain significance for Familial cancer of breast. Last evaluated: 2026-01-19. Review status: criteria provided, single submitter. Criteria: Invitae Variant Classification Sherloc (09022015). Collection method: clinical testing. Allele origin: germline.
Comment: This sequence change replaces alanine, which is neutral and non-polar, with serine, which is neutral and polar, at codon 230 of the CHEK2 protein (p.Ala230Ser). This variant is present in population databases (rs748636216, gnomAD 0.004%). This missense change has been observed in individual(s) with breast cancer (PMID: 30303537, 32885271, 35475445). ClinVar contains an entry for this variant (Variation ID: 187091). An algorithm developed to predict the effect of missense changes on protein structure and function (PolyPhen-2) suggests that this variant is likely to be disruptive. Experimental studies are conflicting or provide insufficient evidence to determine the effect of this variant on CHEK2 function (PMID: 30851065, 31050813, 37449874). In summary, the available evidence is currently insufficient to determine the role of this variant in disease. Therefore, it has been classified as a Variant of Uncertain Significance.

Color Diagnostics, LLC DBA Color Health
Classification: Uncertain significance for Hereditary cancer-predisposing syndrome. Last evaluated: 2025-01-07. Review status: criteria provided, single submitter. Criteria: ACMG Guidelines, 2015. Collection method: clinical testing. Allele origin: germline.
Comment: This missense variant replaces alanine with serine at codon 230 of the CHEK2 protein. Computational prediction suggests that this variant may not impact protein structure and function. Functional studies have shown this variant to have neutral to intermediate effects on CHEK2 function in vitro kinase assays and yeast DNA damage repair assays (PMID 30851065, 31050813). This variant has been reported in individuals with breast cancer (PMID: 28779002, 30303537) and an individual suspected of having Lynch syndrome (PMID: 35475445), however the variant has also been found in unaffected individuals (PMID: 21244692, 26787654). This variant has been identified in 8/282656 chromosomes in the general population by the Genome Aggregation Database (gnomAD). The available evidence is insufficient to determine the role of this variant in disease conclusively. Therefore, this variant is classified as a Variant of Uncertain Significance.

Ambry Genetics
Classification: Uncertain significance for Hereditary cancer-predisposing syndrome. Last evaluated: 2024-06-27. Review status: criteria provided, single submitter. Criteria: Ambry Variant Classification Scheme 2023. Collection method: clinical testing. Allele origin: germline.
Comment: The p.A230S variant (also known as c.688G>T), located in coding exon 5 of the CHEK2 gene, results from a G to T substitution at nucleotide position 688. The alanine at codon 230 is replaced by serine, an amino acid with similar properties. This alteration has been reported in at least one subject in a study of 13087 breast cancer cases and 5488 control individuals in the UK (Decker B et al. J. Med. Genet., 2017 11;54:732-741). This alteration was also identified in 1/1207 cases of French women diagnosed with breast cancer who had a sister with breast cancer and were BRCA1 and BRCA2 negative and in 0/1199 general population controls (Girard E et al. Int. J. Cancer, 2019 04;144:1962-1974). In another matched control study, this alteration was identified in 0/1313 female probands with early-onset breast cancer and 1/1123 healthy matched controls (Le Calvez-Kelm F et al. Breast Cancer Res., 2011 Jan;13:R6). Another study identified this alteration in 0/1928 breast and/or ovarian cancer patients and 1/3360 population-matched controls. In a functional assay included in this study, results for this alteration were indeterminate (Kleiblova P et al. Int. J. Cancer, 2019 10;145:1782-1797). This alteration behaved as functional in an in vivo, yeast-based growth rate assay (Delimitsou A et al. Hum. Mutat., 2019 05;40:631-648). This amino acid position is highly conserved in available vertebrate species. In addition, this alteration is predicted to be tolerated by in silico analysis. Based on the available evidence, the clinical significance of this variant remains unclear.

Baylor Genetics
Classification: Uncertain significance for Familial cancer of breast. Last evaluated: 2024-03-17. Review status: criteria provided, single submitter. Criteria: ACMG Guidelines, 2015. Collection method: clinical testing. Allele origin: unknown.

GeneDx
Classification: Uncertain significance. Last evaluated: 2024-03-10. Review status: criteria provided, single submitter. Criteria: GeneDx Variant Classification Process June 2021. Collection method: clinical testing. Allele origin: germline. Affected: yes.
Comment: Not observed at significant frequency in large population cohorts (gnomAD); In silico analysis supports that this missense variant has a deleterious effect on protein structure/function; Observed in individuals with breast or colorectal cancer, but also in unaffected controls (PMID: 21244692, 26787654, 28779002, 30303537, 35475445); This variant is associated with the following publications: (PMID: 21244692, 26787654, 30303537, 28779002, 30851065, 35475445, 22419737, 19782031, 31050813)

Quest Diagnostics Nichols Institute San Juan Capistrano
Classification: Uncertain significance. Last evaluated: 2023-09-29. Review status: criteria provided, single submitter. Criteria: Quest Diagnostics criteria. Collection method: clinical testing. Allele origin: unknown.

KCCC/NGS Laboratory, Kuwait Cancer Control Center
Classification: Uncertain significance for Familial cancer of breast. Last evaluated: 2023-07-07. Review status: criteria provided, single submitter. Criteria: ACMG Guidelines, 2015. Collection method: clinical testing. Allele origin: unknown. Affected: yes.
Comment: This sequence change replaces alanine with serine at codon 230 of the CHEK2 protein (p.Ala230Ser). This variant has been observed in individual(s) with breast cancer (PMID: 30303537). ClinVar contains an entry for this variant (Variation ID: 187091) with 8 submissions, all of which describe it as of uncertain significance. This variant has been reported to have conflicting or insufficient data to determine the effect on CHEK2 protein function (PMID: 30851065, 31050813). In-silico predictions show benign computational verdict based on 7 benign predictions from BayesDel_addAF, DEOGEN2, EIGEN, M-CAP, MVP, MutationAssessor and PrimateAI vs 5 pathogenic predictions from DANN, FATHMM-MKL, LIST-S2, MutationTaster and SIFT and the position is not strongly conserved. Therefore, it has been classified as a Variant of Uncertain Significance.

Myriad Genetics, Inc.
Classification: Uncertain significance for Familial cancer of breast. Last evaluated: 2023-03-08. Review status: criteria provided, single submitter. Criteria: Myriad Autosomal Dominant, Autosomal Recessive and X-Linked Classification Criteria (2023). Collection method: clinical testing. Allele origin: unknown.
Comment: This variant is classified as a variant of uncertain significance as there is insufficient evidence to determine its impact on protein function and/or cancer risk.

Illumina Laboratory Services, Illumina
Classification: Uncertain significance for CHEK2-Related Cancer Susceptibility. Last evaluated: 2017-04-27. Review status: criteria provided, single submitter. Criteria: ICSL Variant Classification Criteria 13 December 2019. Collection method: clinical testing. Allele origin: germline.

Counsyl
Classification: Uncertain significance for Familial cancer of breast. Last evaluated: 2017-12-14. Review status: no assertion criteria provided. Collection method: clinical testing. Allele origin: unknown. Not counted in ClinVar's aggregate classification.

Department of Pathology and Laboratory Medicine, Sinai Health System
Classification: Uncertain significance for Malignant tumor of breast. Review status: no assertion criteria provided. Collection method: clinical testing. Allele origin: unknown. Affected: yes. Study: The Canadian Open Genetics Repository (COGR). Not counted in ClinVar's aggregate classification.
Comment: The CHEK2 p.Ala230Ser variant was identified in 1 of 30254 proband chromosomes (frequency: 0.00003) from individuals or families with breast cancer and was present in 1 of 2218 control chromosomes (frequency: 0.0005) from healthy individuals (Decker 2017, Le Calvez-Kelm 2011). The variant was also identified in dbSNP (ID: rs748636216) as "With Uncertain significance allele" and in ClinVar (classified as uncertain significance by Invitae, Ambry Genetics and four other submitters). The variant was identified in control databases in 8 of 277002 chromosomes at a frequency of 0.00003 (Genome Aggregation Database Feb 27, 2017). The variant was observed in the following populations: African in 1 of 23996 chromosomes (freq: 0.00004), Other in 1 of 6460 chromosomes (freq: 0.0002), Latino in 1 of 34418 chromosomes (freq: 0.00003), and European in 5 of 126642 chromosomes (freq: 0.00004), while the variant was not observed in the Ashkenazi Jewish, East Asian, Finnish, or South Asian populations. The p.Ala230 residue is conserved in mammals but not in more distantly related organisms and four out of five computational analyses (PolyPhen-2, SIFT, AlignGVGD, BLOSUM, MutationTaster) do not suggest a high likelihood of impact to the protein; this information is not predictive enough to rule out pathogenicity. The variant occurs outside of the splicing consensus sequence and 1 of 4 in silico or computational prediction software programs (SpliceSiteFinder, MaxEntScan, NNSPLICE, GeneSplicer) predict a greater than 10% difference in splicing; this is not very predictive of pathogenicity. In summary, based on the above information, the clinical significance of this variant cannot be determined with certainty at this time. This variant is classified as a variant of uncertain significance.

Literature cited by the submitters: PubMed 30303537 (cited by 4 submitters); PubMed 32885271 (cited by Labcorp Genetics (formerly Invitae), Labcorp and Quest Diagnostics Nichols Institute San Juan Capistrano); PubMed 35475445 (cited by 3 submitters); PubMed 30851065 (cited by 4 submitters); PubMed 31050813 (cited by 4 submitters); PubMed 37449874 (cited by Labcorp Genetics (formerly Invitae), Labcorp and Quest Diagnostics Nichols Institute San Juan Capistrano); PubMed 21244692 (cited by 4 submitters); PubMed 26787654 (cited by Color Diagnostics, LLC DBA Color Health); PubMed 28779002 (cited by 4 submitters); PubMed 33471991 (cited by Quest Diagnostics Nichols Institute San Juan Capistrano).

NM_007194.4(CHEK2):c.688G>T (p.Ala230Ser)

Gene: CHEK2 (checkpoint kinase 2; minus strand). Cytogenetic location: 22q12.1.
Variant type: single nucleotide variant.
Coding change: c.688G>T on transcript NM_007194.4 (MANE Select); coding-DNA position 688, G replaced by T.
Protein change: p.Ala230Ser; replaces alanine 230 with serine.
Molecular consequence: missense variant.
Genome position (GRCh38, 1-based): chr22:28,712,013, C>A on the plus strand (G>T on the coding strand, the complement: CHEK2 is on the minus strand). VCF-style: chr22-28712013-C-A. GRCh37 (hg19) VCF-style: chr22-29108001-C-A.
Other names: c.817G>T, p.Ala273Ser (NM_001005735.3); c.25G>T, p.Ala9Ser (NM_001257387.3); c.487G>T, p.Ala163Ser (NM_001349956.3); c.688G>T, p.Ala230Ser (NM_145862.3); short protein forms A230S, A9S, A273S, A163S.
Identifiers: ClinVar variation 187091 (VCV000187091.36), dbSNP rs748636216, ClinGen allele CA196715.